The following is an entry in ClinVar:

ClinVar aggregate classification (germline): Uncertain significance. Review status: criteria provided, multiple submitters, no conflicts (2 of 4 stars). 2 submissions from 2 submitters: Uncertain significance (2). Last evaluated 2025-01-21.

Conditions:
Cohen syndrome (COH1). Also called: Cutis verticis gyrata, retinitis pigmentosa, and sensorineural deafness; PEPPER SYNDROME. Identifiers: Orphanet 193, MedGen C0265223, MONDO:0008999, OMIM 216550.
VPS13B-related disorder. Also called: VPS13B-related condition.

Allele frequency attached by ClinVar (database versions not stated): ExAC 0.00001; gnomAD 0.00001; gnomAD exomes 0.00001 and 0.00002; TOPMed 0.00001.
gnomAD v4.1: 25 of 1,613,736 alleles (0.0015%); highest among the groups gnomAD compares: Non-Finnish European, 0.002%; no homozygotes.

Submissions (2):

PreventionGenetics, part of Exact Sciences
Classification: Uncertain significance for VPS13B-related condition. Last evaluated: 2025-01-21. Review status: criteria provided, single submitter. Criteria: ACMG Guidelines, 2015. Collection method: clinical testing. Allele origin: germline.
Comment: The VPS13B c.4195G>A variant is predicted to result in the amino acid substitution p.Gly1399Ser. To our knowledge, this variant has not been reported in the literature. This variant is reported in 0.0062% of alleles in individuals of African descent in gnomAD. At this time, the clinical significance of this variant is uncertain due to the absence of conclusive functional and genetic evidence.

Labcorp Genetics (formerly Invitae), Labcorp
Classification: Uncertain significance for Cohen syndrome. Last evaluated: 2021-09-23. Review status: criteria provided, single submitter. Criteria: Invitae Variant Classification Sherloc (09022015). Collection method: clinical testing. Allele origin: germline.
Comment: This sequence change replaces glycine with serine at codon 1399 of the VPS13B protein (p.Gly1399Ser). The glycine residue is moderately conserved and there is a small physicochemical difference between glycine and serine. This variant is present in population databases (rs776321717, ExAC 0.01%). This variant has not been reported in the literature in individuals affected with VPS13B-related conditions. Algorithms developed to predict the effect of missense changes on protein structure and function are either unavailable or do not agree on the potential impact of this missense change (SIFT: "Not Available"; PolyPhen-2: "Probably Damaging"; Align-GVGD: "Not Available"). In summary, the available evidence is currently insufficient to determine the role of this variant in disease. Therefore, it has been classified as a Variant of Uncertain Significance.

NM_017890.5(VPS13B):c.4195G>A (p.Gly1399Ser)

Gene: VPS13B (vacuolar protein sorting 13 homolog B; plus strand). Cytogenetic location: 8q22.2.
Variant type: single nucleotide variant.
Coding change: c.4195G>A on transcript NM_017890.5 (MANE Plus Clinical); coding-DNA position 4195, G replaced by A.
Protein change: p.Gly1399Ser; replaces glycine 1399 with serine.
Molecular consequence: missense variant. On other transcripts: intron variant (1).
Genome position (GRCh38, 1-based): chr8:99,507,807, G>A. VCF-style: chr8-99507807-G-A. GRCh37 (hg19) VCF-style: chr8-100520035-G-A.
Other names: c.4224+604G>A (NM_152564.5); c.4195G>A (NM_017890.4); short protein forms G1399S.
Identifiers: ClinVar variation 1514138 (VCV001514138.4), dbSNP rs776321717, ClinGen allele CA4823469.
Genomic context (GRCh38, chr8:99,507,807, plus strand): 5'-TTGCTCCTGTCCATCACTTCAAGCCTTGGGGAAGAGTGTTGGTCTTTGGGGCAATGTGGA[G>A]GTGTCTTCCTTTCCTGTACTGACAAGCTGAACAGACGCACCTTGTTGGTTCGACCCATCA-3'
Protein context (NP_060360.3, residues 1389-1409): EECWSLGQCG[Gly1399Ser]VFLSCTDKLN